The following is an entry in ClinVar:

NM_001256627.2(BRSK2):c.1380_1381insT (p.Asn461Ter)

Gene: BRSK2 (BR serine/threonine kinase 2; plus strand). Cytogenetic location: 11p15.5.
Variant type: Insertion.
Coding change: c.1380_1381insT on transcript NM_001256627.2 (MANE Select); coding-DNA positions 1380 to 1381, T inserted.
Protein change: p.Asn461Ter; replaces asparagine 461 with a stop codon.
Molecular consequence: nonsense. On other transcripts: non-coding transcript variant (1).
Genome position: GRCh38 VCF-style: chr11-1450679-C-CT. GRCh37 (hg19) VCF-style: chr11-1471909-C-CT.
Other names: c.1380_1381insT, p.Asn461Ter (NM_001256629.2, NM_003957.4); c.1518_1519insT, p.Asn507Ter (NM_001256630.1, NM_001440667.1); c.1200_1201insT, p.Asn401Ter (NM_001282218.2, NM_001440669.1, NM_001440673.1 and 3 more transcripts); c.1812_1813insT, p.Asn605Ter (NM_001440665.1); c.1746_1747insT, p.Asn583Ter (NM_001440666.1); c.1446_1447insT, p.Asn483Ter (NM_001440668.1, NM_001440670.1); c.1266_1267insT, p.Asn423Ter (NM_001440671.1, NM_001440672.1); short protein forms N401*, N423*, N461*, N483*, N507*, N583*, N605*.
Identifiers: ClinVar variation 4849539 (VCV004849539.1).
Genomic context (GRCh38, chr11:1,450,679, plus strand): 5'-CCTCCCCACCCCCAAGGGGACACCTGTCCACACGCCAAAGGAGAGCCCGGCTGGCACGCC[C>CT]AACCCCACGCCCCCGTCCAGCCCCAGCGTCGGAGGGGTGCCCTGGAGGGCGCGGCTCAAC-3'

ClinVar aggregate classification (germline): Pathogenic (1 of 4 stars; one submission).

Conditions:
Autosomal dominant non-syndromic intellectual disability. Identifiers: Orphanet 178469, MedGen C5680502, MONDO:0015802.

Submission:

Department of Human Genetics, University Hospital Bern, Inselspital
Classification: Pathogenic for Autosomal dominant non-syndromic intellectual disability. Last evaluated: 2026-05-03. Review status: criteria provided, single submitter. Criteria: ACMG Guidelines, 2015. Collection method: clinical testing. Allele origin: inherited. Affected: yes.
Comment: The variant leads to an early stop codon likely resulting in nonsense-mediated mRNA decay. In summary, criteria PVS1, PM2_Supporting and PP1_Supporting were used.

Literature cited by the submitters: PubMed 42509346.